The following is an entry in ClinVar:

ClinVar aggregate classification (germline): Uncertain significance. Review status: criteria provided, multiple submitters, no conflicts (2 of 4 stars). 2 submissions from 2 submitters: Uncertain significance (2). Last evaluated 2025-08-29.

Conditions:
Inborn genetic diseases. Identifiers: MedGen C0950123, MeSH D030342.

Allele frequency attached by ClinVar (database versions not stated): ExAC 0.00001; gnomAD 0.00001; gnomAD exomes 0.00001; TOPMed 0.00001.
gnomAD v4.1: 5 of 1,613,906 alleles (0.00031%); highest among the groups gnomAD compares: Admixed American, 0.0083%; no homozygotes.

Submissions (2):

Ambry Genetics
Classification: Uncertain significance for Inborn genetic diseases. Last evaluated: 2025-08-29. Review status: criteria provided, single submitter. Criteria: Ambry Variant Classification Scheme 2023. Collection method: clinical testing. Allele origin: germline.

Labcorp Genetics (formerly Invitae), Labcorp
Classification: Uncertain significance. Last evaluated: 2024-12-24. Review status: criteria provided, single submitter. Criteria: Invitae Variant Classification Sherloc (09022015). Collection method: clinical testing. Allele origin: germline.
Comment: This sequence change replaces proline, which is neutral and non-polar, with leucine, which is neutral and non-polar, at codon 955 of the COL4A2 protein (p.Pro955Leu). This variant is present in population databases (rs775430349, gnomAD 0.009%). This variant has not been reported in the literature in individuals affected with COL4A2-related conditions. ClinVar contains an entry for this variant (Variation ID: 1465916). Invitae Evidence Modeling of protein sequence and biophysical properties (such as structural, functional, and spatial information, amino acid conservation, physicochemical variation, residue mobility, and thermodynamic stability) indicates that this missense variant is not expected to disrupt COL4A2 protein function with a negative predictive value of 95%. In summary, the available evidence is currently insufficient to determine the role of this variant in disease. Therefore, it has been classified as a Variant of Uncertain Significance.

NM_001846.4(COL4A2):c.2864C>T (p.Pro955Leu)

Gene: COL4A2 (collagen type IV alpha 2 chain; plus strand). Cytogenetic location: 13q34.
Variant type: single nucleotide variant.
Coding change: c.2864C>T on transcript NM_001846.4 (MANE Select); coding-DNA position 2864, C replaced by T.
Protein change: p.Pro955Leu; replaces proline 955 with leucine.
Molecular consequence: missense variant.
Genome position (GRCh38, 1-based): chr13:110,482,621, C>T. VCF-style: chr13-110482621-C-T. GRCh37 (hg19) VCF-style: chr13-111134968-C-T.
Other names: c.2864C>T (NM_001846.2); short protein forms P955L.
Identifiers: ClinVar variation 1465916 (VCV001465916.9), dbSNP rs775430349, ClinGen allele CA7050018.
Genomic context (GRCh38, chr13:110,482,621, plus strand): 5'-GACTCAAAGGGAGACCCGGGTTTCCAGGGAGCAAAGGCGAGGCTGGATTTTTCGGAATAC[C>T]CGGTCTGAAGGGTCTGGCTGGTGAGCCAGGTTTTAAAGGTATGTCCCTCTCTTAACATCC-3'
Protein context (NP_001837.2, residues 945-965): SKGEAGFFGI[Pro955Leu]GLKGLAGEPG